The following is an entry in ClinVar:

ClinVar aggregate classification (germline): Conflicting classifications of pathogenicity. Review status: criteria provided, conflicting classifications (1 of 4 stars). 11 submissions from 11 submitters: Uncertain significance (4); Benign (1); Likely benign (6). Last evaluated 2026-06-16.

Conditions:
DES-related disorder. Also called: DES-related condition.
Cardiovascular phenotype. Identifiers: MedGen CN230736.
Desmin-related myofibrillar myopathy (MFM1). Also called: Desminopathy; Myofibrillar myopathy 1; Desmin related myopathy (former name); Desmin storage myopathy (former name); MYOFIBRILLAR MYOPATHY WITH ARRHYTHMOGENIC RIGHT VENTRICULAR CARDIOMYOPATHY; DESMIN-RELATED MYOPATHY WITH ARRHYTHMOGENIC RIGHT VENTRICULAR CARDIOMYOPATHY. Identifiers: Orphanet 363543, Orphanet 98909, MedGen C1832370, MONDO:0011076, OMIM 601419.

Allele frequency attached by ClinVar (database versions not stated): TOPMed 0.00001; 1000 Genomes Project 0.00040; 1000 Genomes Project 30x 0.00047; ExAC 0.00075.
gnomAD v4.1: 218 of 1,574,676 alleles (0.014%); highest among the groups gnomAD compares: South Asian, 0.22%; 3 homozygotes.

Submissions (11):

Women's Health and Genetics/Laboratory Corporation of America, LabCorp
Classification: Likely benign. Last evaluated: 2026-06-16. Review status: criteria provided, single submitter. Criteria: LabCorp Variant Classification Summary - May 2015. Collection method: clinical testing. Allele origin: germline.
Comment: Variant summary: DES c.404C>T (p.Ala135Val) results in a non-conservative amino acid change in the encoded protein sequence. Algorithms developed to predict the effect of missense changes on protein structure and function are either unavailable or do not agree on the potential impact of this missense change. The variant allele was found at a frequency of 0.00027 in 181584 control chromosomes, predominantly at a frequency of 0.0019 within the South Asian subpopulation in the gnomAD v2.1 database. Additionally, the gnomAD v4.1 database found the variant in the homozygous state in 3 controls. To our knowledge, no occurrence of c.404C>T in individuals affected with DES-related conditions and no experimental evidence demonstrating its impact on protein function have been reported. ClinVar contains an entry for this variant (Variation ID: 227281). Based on the evidence outlined above, the variant was classified as likely benign.

Labcorp Genetics (formerly Invitae), Labcorp
Classification: Likely benign for Desmin-related myofibrillar myopathy. Last evaluated: 2026-01-21. Review status: criteria provided, single submitter. Criteria: Invitae Variant Classification Sherloc (09022015). Collection method: clinical testing. Allele origin: germline.

GeneDx
Classification: Likely benign. Last evaluated: 2025-06-06. Review status: criteria provided, single submitter. Criteria: GeneDx Variant Classification Process June 2021. Collection method: clinical testing. Allele origin: germline. Affected: yes.
Comment: See Variant Classification Assertion Criteria.

Molecular Diagnostic Laboratory for Inherited Cardiovascular Disease, Montreal Heart Institute
Classification: Likely benign. Last evaluated: 2025-04-09. Review status: criteria provided, single submitter. Criteria: ACMG Guidelines, 2015. Collection method: clinical testing. Allele origin: germline. Affected: no.
Comment: BS1,BS3_supp,BP4.

PreventionGenetics, part of Exact Sciences
Classification: Likely benign for DES-related condition. Last evaluated: 2025-02-17. Review status: criteria provided, single submitter. Criteria: ACMG Guidelines, 2015. Collection method: clinical testing. Allele origin: germline.
Comment: This variant is classified as likely benign based on ACMG/AMP sequence variant interpretation guidelines (Richards et al. 2015 PMID: 25741868, with internal and published modifications).

Ambry Genetics
Classification: Benign for Cardiovascular phenotype. Last evaluated: 2024-02-12. Review status: criteria provided, single submitter. Criteria: Ambry Variant Classification Scheme 2023. Collection method: clinical testing. Allele origin: germline.

Revvity Omics, Revvity
Classification: Uncertain significance. Last evaluated: 2023-09-13. Review status: criteria provided, single submitter. Criteria: ACMG Guidelines, 2015. Collection method: clinical testing. Allele origin: germline.

Mayo Clinic Laboratories, Mayo Clinic
Classification: Uncertain significance. Last evaluated: 2022-12-07. Review status: criteria provided, single submitter. Criteria: ACMG Guidelines, 2015. Collection method: clinical testing. Allele origin: germline. Observed: 1 variant allele.
Comment: BP4

ARUP Laboratories, Molecular Genetics and Genomics, ARUP Laboratories
Classification: Uncertain significance. Last evaluated: 2020-10-29. Review status: criteria provided, single submitter. Criteria: ARUP Molecular Germline Variant Investigation Process 2021. Collection method: clinical testing. Allele origin: germline.
Comment: The DES c.404C>T; p.Ala135Val variant (rs546741834), to our knowledge, is not reported in the medical literature but is reported in ClinVar (Variation ID: 227281). This variant is found in the South Asian population with an allele frequency of 0.2% (46/24592 alleles, including 0 homozygotes) in the Genome Aggregation Database. The alanine at codon 135 is highly conserved, but computational analyses are uncertain whether this variant is neutral or deleterious (REVEL: 0.2). Due to limited information, the clinical significance of the p.Ala135Val variant is uncertain at this time. Gene Statement: Pathogenic germline variants in DES are predominantly inherited in an autosomal dominant manner, and are associated with myofibrillar myopathy 1/desminopathy (MIM: 601419). Rare observations associated with neurogenic scapuloperoneal syndrome, Kaeser type (MIM: 181400) and non-syndromic dilated cardiomyopathy 1I (MIM: 604765) have been reported.

Eurofins Ntd Llc (ga)
Classification: Uncertain significance. Last evaluated: 2018-05-16. Review status: criteria provided, single submitter. Criteria: EGL ClinVar v180209 classification definitions. Collection method: clinical testing. Allele origin: germline. Observed: 3 variant alleles, 3 heterozygotes.

Laboratory for Molecular Medicine, Mass General Brigham Personalized Medicine
Classification: Likely benign. Last evaluated: 2015-03-16. Review status: criteria provided, single submitter. Criteria: LMM Criteria. Collection method: clinical testing. Allele origin: germline. Observed: 2 variant alleles.
Comment: p.Ala135Val variant in exon 1 of DES: This variant is not expected to have clini cal significance due to a lack of conservation across species, including mammals . Of note, 4 mammals (naked mole-rat, star-nosed mole, opossum, and Tasmanian de vil) have a valine (Val) at this position despite high nearby amino acid conserv ation. It has been identified in 0.2% (16/8402) of South Asian chromosomes by th e Exome Aggregation Consortium (ExAC; dbSNP rs54 6741834).

Literature cited by the submitters: PubMed 32682410 (cited by Ambry Genetics).

NM_001927.4(DES):c.404C>T (p.Ala135Val)

Gene: DES (desmin; plus strand). Cytogenetic location: 2q35.
Variant type: single nucleotide variant.
Coding change: c.404C>T on transcript NM_001927.4 (MANE Select); coding-DNA position 404, C replaced by T.
Protein change: p.Ala135Val; replaces alanine 135 with valine.
Molecular consequence: missense variant.
Genome position (GRCh38, 1-based): chr2:219,418,866, C>T. VCF-style: chr2-219418866-C-T. GRCh37 (hg19) VCF-style: chr2-220283588-C-T.
Other names: short protein forms A135V.
Identifiers: ClinVar variation 227281 (VCV000227281.38), dbSNP rs546741834, ClinGen allele CA2125063.